The following is an entry in ClinVar:

ClinVar aggregate classification (germline): Uncertain significance. Review status: criteria provided, multiple submitters, no conflicts (2 of 4 stars). 5 submissions from 5 submitters: Uncertain significance (4). 1 of the submissions does not count toward it. Last evaluated 2026-01-06.

Conditions:
CDH1-related disorder. Also called: CDH1-related condition.
Familial cancer of breast. Also called: hereditary breast carcinoma; BREAST CANCER, FAMILIAL; Hereditary breast cancer. Identifiers: Orphanet 227535, MedGen C0346153, MONDO:0016419, OMIM 114480. Disease mechanism: loss of function.
Hereditary cancer-predisposing syndrome. Also called: Tumor predisposition; Hereditary Cancer Syndrome; Hereditary neoplastic syndrome; Neoplastic Syndromes, Hereditary. Identifiers: Orphanet 140162, MedGen C0027672, MeSH D009386, MONDO:0015356.
Hereditary diffuse gastric adenocarcinoma (HDGC). Also called: DIFFUSE GASTRIC AND LOBULAR BREAST CANCER SYNDROME. Identifiers: Orphanet 26106, MedGen C1708349, MONDO:0007648, OMIM 137215.

Allele frequency attached by ClinVar (database versions not stated): gnomAD exomes below 0.00001 and 0.00001.
gnomAD v4.1: 4 of 1,614,094 alleles (0.00025%); highest among the groups gnomAD compares: Admixed American, 0.005%; no homozygotes.

Submissions (5):

Labcorp Genetics (formerly Invitae), Labcorp
Classification: Uncertain significance for Hereditary diffuse gastric adenocarcinoma. Last evaluated: 2026-01-06. Review status: criteria provided, single submitter. Criteria: Invitae Variant Classification Sherloc (09022015). Collection method: clinical testing. Allele origin: germline.
Comment: This sequence change replaces proline, which is neutral and non-polar, with alanine, which is neutral and non-polar, at codon 801 of the CDH1 protein (p.Pro801Ala). This variant is present in population databases (no rsID available, gnomAD 0.003%). This variant has not been reported in the literature in individuals affected with CDH1-related conditions. ClinVar contains an entry for this variant (Variation ID: 233879). An algorithm developed to predict the effect of missense changes on protein structure and function (PolyPhen-2) suggests that this variant is likely to be disruptive. In summary, the available evidence is currently insufficient to determine the role of this variant in disease. Therefore, it has been classified as a Variant of Uncertain Significance.

Ambry Genetics
Classification: Uncertain significance for Hereditary cancer-predisposing syndrome. Last evaluated: 2025-02-03. Review status: criteria provided, single submitter. Criteria: Ambry Variant Classification Scheme 2023. Collection method: clinical testing. Allele origin: germline.
Comment: The p.P801A variant (also known as c.2401C>G), located in coding exon 15 of the CDH1 gene, results from a C to G substitution at nucleotide position 2401. The proline at codon 801 is replaced by alanine, an amino acid with highly similar properties. This variant was detected in multiple individuals with no reported features of CDH1-related diffuse gastric and lobular breast cancer (DGLBC) (Ambry internal data). This amino acid position is highly conserved in available vertebrate species. In addition, the in silico prediction for this alteration is inconclusive. Based on the available evidence, the clinical significance of this variant remains unclear.

Color Diagnostics, LLC DBA Color Health
Classification: Uncertain significance for Hereditary cancer-predisposing syndrome. Last evaluated: 2024-03-06. Review status: criteria provided, single submitter. Criteria: ACMG Guidelines, 2015. Collection method: clinical testing. Allele origin: germline.
Comment: This missense variant replaces proline with alanine at codon 801 of the CDH1 protein. Computational prediction suggests that this variant may not impact protein structure and function (internally defined REVEL score threshold <= 0.5, PMID: 27666373). Splice site prediction tools suggest that this variant may not impact RNA splicing. To our knowledge, functional studies have not been performed for this variant. This variant has not been reported in individuals affected with hereditary cancer in the literature. This variant has been identified in 1/251398 chromosomes in the general population by the Genome Aggregation Database (gnomAD). The available evidence is insufficient to determine the role of this variant in disease conclusively. Therefore, this variant is classified as a Variant of Uncertain Significance.

Baylor Genetics
Classification: Uncertain significance for Familial cancer of breast. Last evaluated: 2023-08-10. Review status: criteria provided, single submitter. Criteria: ACMG Guidelines, 2015. Collection method: clinical testing. Allele origin: unknown.

PreventionGenetics, part of Exact Sciences
Classification: Uncertain significance for CDH1-related condition. Last evaluated: 2024-02-02. Review status: no assertion criteria provided. Collection method: clinical testing. Allele origin: germline. Not counted in ClinVar's aggregate classification.
Comment: The CDH1 c.2401C>G variant is predicted to result in the amino acid substitution p.Pro801Ala. To our knowledge, this variant has not been reported in the literature. This variant is reported in 0.0029% of alleles in individuals of Latino descent in gnomAD, indicating it is rare. This variant is reported as a variant of uncertain significance in ClinVar. At this time, the clinical significance of this variant is uncertain due to the absence of conclusive functional and genetic evidence.

NM_004360.5(CDH1):c.2401C>G (p.Pro801Ala)

Gene: CDH1 (cadherin 1; plus strand). Cytogenetic location: 16q22.1.
Variant type: single nucleotide variant.
Coding change: c.2401C>G on transcript NM_004360.5 (MANE Select); coding-DNA position 2401, C replaced by G.
Protein change: p.Pro801Ala; replaces proline 801 with alanine.
Molecular consequence: missense variant.
Genome position (GRCh38, 1-based): chr16:68,829,759, C>G. VCF-style: chr16-68829759-C-G. GRCh37 (hg19) VCF-style: chr16-68863662-C-G.
Other names: c.2401C>G (LRG_301t1); c.2218C>G, p.Pro740Ala (NM_001317184.2); c.853C>G, p.Pro285Ala (NM_001317185.2); c.436C>G, p.Pro146Ala (NM_001317186.2); short protein forms P801A, P285A, P146A, P740A.
Identifiers: ClinVar variation 233879 (VCV000233879.22), dbSNP rs876660704, ClinGen allele CA10580162.